The following is an entry in ClinVar:

NM_000054.7(AVPR2):c.478G>C (p.Val160Leu)

Gene: AVPR2 (arginine vasopressin receptor 2; plus strand). Cytogenetic location: Xq28.
Variant type: single nucleotide variant.
Coding change: c.478G>C on transcript NM_000054.7 (MANE Select); coding-DNA position 478, G replaced by C.
Protein change: p.Val160Leu; replaces valine 160 with leucine.
Molecular consequence: missense variant.
Genome position (GRCh38, 1-based): chrX:153,905,984, G>C. VCF-style: chrX-153905984-G-C. GRCh37 (hg19) VCF-style: chrX-153171438-G-C.
Other names: c.478G>C, p.Val160Leu (NM_001146151.3); short protein forms V160L.
Identifiers: ClinVar variation 3716536 (VCV003716536.2).

ClinVar aggregate classification (germline): Uncertain significance (1 of 4 stars; one submission).

Submission:

Labcorp Genetics (formerly Invitae), Labcorp
Classification: Uncertain significance. Last evaluated: 2025-02-03. Review status: criteria provided, single submitter. Criteria: Invitae Variant Classification Sherloc (09022015). Collection method: clinical testing. Allele origin: germline.
Comment: This sequence change replaces valine, which is neutral and non-polar, with leucine, which is neutral and non-polar, at codon 160 of the AVPR2 protein (p.Val160Leu). This variant is not present in population databases (gnomAD no frequency). This variant has not been reported in the literature in individuals affected with AVPR2-related conditions. Invitae Evidence Modeling of protein sequence and biophysical properties (such as structural, functional, and spatial information, amino acid conservation, physicochemical variation, residue mobility, and thermodynamic stability) indicates that this missense variant is not expected to disrupt AVPR2 protein function with a negative predictive value of 80%. In summary, the available evidence is currently insufficient to determine the role of this variant in disease. Therefore, it has been classified as a Variant of Uncertain Significance.